The following is an entry in ClinVar:

ClinVar aggregate classification (germline): Pathogenic/Likely pathogenic. Review status: criteria provided, multiple submitters, no conflicts (2 of 4 stars). 4 submissions from 4 submitters: Pathogenic (3); Likely pathogenic (1). Last evaluated 2024-05-01.

Conditions:
Hereditary cancer-predisposing syndrome. Also called: Tumor predisposition; Neoplastic Syndromes, Hereditary; Hereditary Cancer Syndrome; Hereditary neoplastic syndrome. Identifiers: Orphanet 140162, MedGen C0027672, MeSH D009386, MONDO:0015356.
Hereditary breast ovarian cancer syndrome. Also called: Hereditary breast and ovarian cancer; Breast and ovarian cancer; Hereditary breast and/or ovarian cancer syndrome; Hereditary breast and ovarian cancer syndrome (HBOC); BRCA1- and BRCA2-Associated Hereditary Breast and Ovarian Cancer; Hereditary breast and ovarian cancer syndrome. Identifiers: Orphanet 145, MedGen C0677776, MeSH D061325, MONDO:0003582. Disease mechanism: loss of function.
Familial cancer of breast. Also called: BREAST CANCER, FAMILIAL; Hereditary breast cancer; hereditary breast carcinoma. Identifiers: Orphanet 227535, MedGen C0346153, MONDO:0016419, OMIM 114480. Disease mechanism: loss of function.
Kabuki syndrome 1 (KABUK1). Also called: KMT2D-Related Kabuki Syndrome. Identifiers: Orphanet 2322, MedGen CN030661, MONDO:0007843, OMIM 147920.

Submissions (4):

Clinical Genomics Laboratory, Washington University in St. Louis
Classification: Pathogenic for Kabuki syndrome 1. Last evaluated: 2024-05-01. Review status: criteria provided, single submitter. Criteria: ACMG Guidelines, 2015. Collection method: clinical testing. Allele origin: germline.
Comment: The BRCA2 c.2272del (p.Ser758Valfs*14) variant has been reported in at least one individual affected with hereditary cancer syndrome (1). This variant has been reported in the ClinVar database as a germline pathogenic or likely pathogenic variant by three submitters. This variant is absent from the general population (gnomAD v.2.1.1), indicating it is not a common variant. This variant causes a frameshift by deleting a single nucleotide, leading to a premature termination codon, which is predicted to lead to nonsense mediated decay. Additionally, other variants that introduce a premature termination codon in this region have been reported in affected individuals and are considered pathogenic (2). Based on available information and the ACMG/AMP guidelines for variant interpretation (3), this variant is classified as pathogenic.

Baylor Genetics
Classification: Likely pathogenic for Familial cancer of breast. Last evaluated: 2024-01-24. Review status: criteria provided, single submitter. Criteria: ACMG Guidelines, 2015. Collection method: clinical testing. Allele origin: unknown.

Labcorp Genetics (formerly Invitae), Labcorp
Classification: Pathogenic for Hereditary breast ovarian cancer syndrome. Last evaluated: 2022-09-19. Review status: criteria provided, single submitter. Criteria: Invitae Variant Classification Sherloc (09022015). Collection method: clinical testing. Allele origin: germline.
Comment: For these reasons, this variant has been classified as Pathogenic. This sequence change creates a premature translational stop signal (p.Ser758Valfs*14) in the BRCA2 gene. It is expected to result in an absent or disrupted protein product. Loss-of-function variants in BRCA2 are known to be pathogenic (PMID: 20104584). This variant is not present in population databases (gnomAD no frequency). This variant has not been reported in the literature in individuals affected with BRCA2-related conditions. ClinVar contains an entry for this variant (Variation ID: 479335).

Ambry Genetics
Classification: Pathogenic for Hereditary cancer-predisposing syndrome. Last evaluated: 2016-07-07. Review status: criteria provided, single submitter. Criteria: Ambry Variant Classification Scheme 2023. Collection method: clinical testing. Allele origin: germline.
Comment: The c.2272delA pathogenic mutation, located in coding exon 10 of the BRCA2 gene, results from a deletion of one nucleotide at nucleotide position 2272, causing a translational frameshift with a predicted alternate stop codon (p.S758Vfs*14). This alteration is expected to result in loss of function by premature protein truncation or nonsense-mediated mRNA decay. As such, this alteration is interpreted as a disease-causing mutation.

Literature cited by the submitters: PubMed 20104584 (cited by Labcorp Genetics (formerly Invitae), Labcorp).

NM_000059.4(BRCA2):c.2272del (p.Ser758fs)

Gene: BRCA2 (BRCA2 DNA repair associated; plus strand). Cytogenetic location: 13q13.1.
Variant type: Deletion.
Coding change: c.2272del on transcript NM_000059.4 (MANE Select); coding-DNA position 2272, one base deleted (A; older notation c.2272delA).
Protein change: p.Ser758fs; shifts the reading frame from serine 758.
Molecular consequence: frameshift variant.
Genome position (GRCh38, 1-based): chr13:32,336,627, A deleted; the last of 4 consecutive A bases (chr13:32,336,624-32,336,627); deleting any one gives the same sequence. VCF-style (leftmost placement, unchanged base first): chr13-32336623-GA-G. GRCh37 (hg19) VCF-style: chr13-32910760-GA-G.
Other names: c.2272delA (NM_000059.3); short protein forms S758fs.
Identifiers: ClinVar variation 479335 (VCV000479335.16), dbSNP rs886040420, ClinGen allele CA658656370.
Genomic context (GRCh38, chr13:32,336,623, plus strand): 5'-AGCATGTCACCCAGTACAACATTCAAAAGTGGAATACAGTGATACTGACTTTCAATCCCA[GA>G]AAAGTCTTTTATATGATCATGAAAATGCCAGCACTCTTATTTTAACTCCTACTTCCAAGG-3'